The following is an entry in ClinVar:

NM_005633.4(SOS1):c.1203-13T>A

Gene: SOS1 (SOS Ras/Rac guanine nucleotide exchange factor 1; minus strand). Cytogenetic location: 2p22.1.
Variant type: single nucleotide variant.
Coding change: c.1203-13T>A on transcript NM_005633.4 (MANE Select); 13 bases into the intron before coding-DNA position 1203, T replaced by A.
Molecular consequence: intron variant.
Genome position (GRCh38, 1-based): chr2:39,023,238, A>T on the plus strand (T>A on the coding strand, the complement: SOS1 is on the minus strand). VCF-style: chr2-39023238-A-T. GRCh37 (hg19) VCF-style: chr2-39250379-A-T.
Other names: c.1182-13T>A (NM_001382394.1); c.1203-13T>A (NM_001382395.1).
Identifiers: ClinVar variation 227955 (VCV000227955.21), dbSNP rs145166996, ClinGen allele CA1624615.

ClinVar aggregate classification (germline): Benign/Likely benign. Review status: criteria provided, multiple submitters, no conflicts (2 of 4 stars). 9 submissions from 8 submitters: Benign (5); Likely benign (4). Last evaluated 2026-02-03.

Conditions:
RASopathy. Also called: rasopathies; Noonan spectrum disorder. Identifiers: Orphanet 536391, MedGen C5555857, MONDO:0021060.
Fibromatosis, gingival, 1 (GINGF1). Identifiers: Orphanet 2024, MedGen C4551558, MONDO:0007609, OMIM 135300.
Noonan syndrome 4 (NS4). Also called: NOONAN SYNDROME WITH PIGMENTED VILLONODULAR SYNOVITIS; SOS1-Related Noonan Syndrome. Identifiers: Orphanet 648, MedGen C1853120, MONDO:0012547, OMIM 610733.

Allele frequency attached by ClinVar (database versions not stated): gnomAD exomes 0.00013 and 0.00005; ESP Exome Variant Server 0.00031; gnomAD 0.00047 and 0.00049; ExAC 0.00012; TOPMed 0.00059; 1000 Genomes Project 0.00060; 1000 Genomes Project 30x 0.00062.
gnomAD v4.1: 155 of 1,603,272 alleles (0.0097%); highest among the groups gnomAD compares: African/African-American, 0.18%; 1 homozygote.

Submissions (10):

Labcorp Genetics (formerly Invitae), Labcorp
Classification: Benign for RASopathy. Last evaluated: 2026-02-03. Review status: criteria provided, single submitter. Criteria: Invitae Variant Classification Sherloc (09022015). Collection method: clinical testing. Allele origin: germline.

ARUP Laboratories, Molecular Genetics and Genomics, ARUP Laboratories
Classification: Likely benign. Last evaluated: 2024-03-20. Review status: criteria provided, single submitter. Criteria: ARUP Molecular Germline Variant Investigation Process 2024. Collection method: clinical testing. Allele origin: germline.

Women's Health and Genetics/Laboratory Corporation of America, LabCorp
Classification: Benign. Last evaluated: 2022-05-28. Review status: criteria provided, single submitter. Criteria: LabCorp Variant Classification Summary - May 2015. Collection method: clinical testing. Allele origin: germline.

Blueprint Genetics
Classification: Likely benign. Last evaluated: 2022-04-06. Review status: criteria provided, single submitter. Criteria: ACMG Guidelines, 2015. Collection method: clinical testing. Allele origin: germline.

GeneDx
Classification: Benign. Last evaluated: 2019-03-07. Review status: criteria provided, single submitter. Criteria: GeneDx Variant Classification Process June 2021. Collection method: clinical testing. Allele origin: germline. Affected: yes.

Laboratory for Molecular Medicine, Mass General Brigham Personalized Medicine
Classification: Likely benign. Last evaluated: 2015-06-26. Review status: criteria provided, single submitter. Criteria: LMM Criteria. Collection method: clinical testing. Allele origin: germline. Observed: 1 variant allele.
Comment: c.1203-13T>A in intron 9 of SOS1: This variant is not expected to have clinical significance because it has been identified in 0.1% (12/9406) of African chromos omes by the Exome Aggregation Consortium (ExAC; dbSNP rs145166996) and splice variants are not a known mechanism of disease for Noonan syndrome.

Breakthrough Genomics
Classification: Likely benign. Review status: criteria provided, single submitter. Criteria: ACMG Guidelines, 2015. Collection method: not provided. Allele origin: germline. Inheritance: Autosomal dominant inheritance. Affected: yes.

Genome-Nilou Lab
Classification: Benign for Noonan syndrome 4. Review status: criteria provided, single submitter. Criteria: ACMG Guidelines, 2015. Collection method: clinical testing. Allele origin: germline.

Genome-Nilou Lab
Classification: Benign for Fibromatosis, gingival, 1. Review status: criteria provided, single submitter. Criteria: ACMG Guidelines, 2015. Collection method: clinical testing. Allele origin: germline.

Dr. Peter K. Rogan Lab, Western University
No classification provided (evidence only). Condition: Uterine corpus endometrial carcinoma. Review status: no classification provided. Collection method: in vitro. Allele origin: not applicable. Functional consequence: retained intron. Not counted in ClinVar's aggregate classification.